The following is an entry in ClinVar:

NM_001009944.3(PKD1):c.2892_2896dup (p.Arg966fs)

Gene: PKD1 (polycystin 1, transient receptor potential channel interacting; minus strand). Cytogenetic location: 16p13.3.
Variant type: Duplication.
Coding change: c.2892_2896dup on transcript NM_001009944.3 (MANE Select); coding-DNA positions 2892 to 2896, 5 bases duplicated (CTTCC; older notation c.2892_2896dupCTTCC).
Protein change: p.Arg966fs; shifts the reading frame from arginine 966.
Molecular consequence: frameshift variant.
Genome position (GRCh38, 1-based): chr16:2,113,250-2,113,254, GGAAG duplicated on the plus strand (CTTCC on the coding strand, the reverse complement: PKD1 is on the minus strand). VCF-style (leftmost placement, unchanged base first): chr16-2113249-C-CGGAAG. GRCh37 (hg19) VCF-style: chr16-2163250-C-CGGAAG.
Other names: c.2892_2896dup, p.Arg966fs (NM_000296.4); short protein forms R966fs.
Identifiers: ClinVar variation 5038075 (VCV005038075.1).
Genomic context (GRCh38, chr16:2,113,249, plus strand): 5'-TAAATGACATTGAAGACCACGTTCTGGAAGGTCAGGGACTGCTTGTCGTTGATGGTCCAC[C>CGGAAG]GGAAGACCATGTCCGAGCCGGCCTCCACCACGGGGCTGTACCTCTGCGGGGGGAATGGTG-3'

ClinVar aggregate classification (germline): Pathogenic (1 of 4 stars; one submission).

Conditions:
Polycystic kidney disease, adult type (PKD1). Also called: Polycystic Kidney Disease 1, Autosomal Dominant; POLYCYSTIC KIDNEY DISEASE, ADULT, TYPE I; Polycystic kidney disease 1; Polycystic kidney disease 1, severe; POLYCYSTIC KIDNEY DISEASE 1 WITH OR WITHOUT POLYCYSTIC LIVER DISEASE; Polycystic Kidney, Autosomal Dominant. Identifiers: MedGen C3149841, MONDO:0008263, OMIM 173900.

Submission:

MVZ Medizinische Genetik Mainz
Classification: Pathogenic for Polycystic kidney disease, adult type. Last evaluated: 2026-09-01. Review status: criteria provided, single submitter. Criteria: UK Practice Guidelines For Variant Classification V4 01 2020. Collection method: clinical testing. Allele origin: germline. Inheritance: Autosomal dominant inheritance. Affected: yes. Observed: 1 variant allele.
Comment: ACMG Criteria: PVS1,PM2_SUP,PP4